The following is an entry in ClinVar:

ClinVar aggregate classification (germline): Likely pathogenic (1 of 4 stars; one submission).

Conditions:
Partial hypoxanthine-guanine phosphoribosyltransferase deficiency. Also called: GOUT, HPRT-RELATED; HPRT DEFICIENCY, PARTIAL; HYPOXANTHINE GUANINE PHOSPHORIBOSYLTRANSFERASE 1 DEFICIENCY, PARTIAL; Kelley-Seegmiller Syndrome; HPRT1 DEFICIENCY, PARTIAL. Identifiers: Orphanet 79233, MedGen C0268117, MONDO:0010299, OMIM 300323.
Lesch-Nyhan syndrome (LNS). Also called: HPRT DEFICIENCY, COMPLETE; Lesch-Nyhan Disease (LND). Identifiers: Orphanet 510, MedGen C0023374, MONDO:0010298, OMIM 300322.

Submission:

Labcorp Genetics (formerly Invitae), Labcorp
Classification: Likely pathogenic for Lesch-Nyhan syndrome; Partial hypoxanthine-guanine phosphoribosyltransferase deficiency. Last evaluated: 2017-11-22. Review status: criteria provided, single submitter. Criteria: Invitae Variant Classification Sherloc (09022015). Collection method: clinical testing. Allele origin: germline.
Comment: This sequence change results in a premature translational stop signal in the HPRT1 gene (p.His204Serfs*6). While this is not anticipated to result in nonsense mediated decay, it is expected to disrupt the last 15 amino acids of the HPRT1 protein. This variant is not present in population databases (ExAC no frequency). This variant has not been reported in the literature in individuals with HPRT1-related disease. Several different truncations (p.Cys206*, p.Gly212*, p.Tyr216*) that lie downstream of this variant have been reported in individuals affected with Lesch-Nyhan syndrome (PMID: 22132984, 11018746, 28045594). In summary, the currently available evidence indicates that the variant is pathogenic, but additional data are needed to prove that conclusively. Therefore, this variant has been classified as Likely Pathogenic.

Literature cited by the submitters: PubMed 28045594; PubMed 11018746; PubMed 22132984.

NM_000194.3(HPRT1):c.609dup (p.His204fs)

Gene: HPRT1 (hypoxanthine phosphoribosyltransferase 1; plus strand). Cytogenetic location: Xq26.2.
Variant type: Duplication.
Coding change: c.609dup on transcript NM_000194.3 (MANE Select); coding-DNA position 609, one base duplicated (T; older notation c.609dupT).
Protein change: p.His204fs; shifts the reading frame from histidine 204.
Molecular consequence: frameshift variant.
Genome position (GRCh38, 1-based): chrX:134,498,684, T duplicated. VCF-style (leftmost placement, unchanged base first): chrX-134498683-A-AT. GRCh37 (hg19) VCF-style: chrX-133632713-A-AT.
Other names: c.609dupT (NM_000194.2); short protein forms H204fs.
Identifiers: ClinVar variation 526797 (VCV000526797.1), dbSNP rs1556030169, ClinGen allele CA658799864.